The following is an entry in ClinVar:

NM_000465.4(BARD1):c.1904-2_1904-1del

Gene: BARD1 (BRCA1 associated RING domain 1; minus strand). Cytogenetic location: 2q35.
Variant type: Deletion.
Coding change: c.1904-2_1904-1del on transcript NM_000465.4 (MANE Select); the canonical splice acceptor site of the intron before coding-DNA position 1904, 2 bases deleted (AG; older notation c.1904-2_1904-1delAG).
Molecular consequence: splice acceptor variant.
Genome position (GRCh38, 1-based): chr2:214,730,509-214,730,510, CT deleted on the plus strand (AG on the coding strand, the reverse complement: BARD1 is on the minus strand). VCF-style (leftmost placement, unchanged base first): chr2-214730508-CCT-C. GRCh37 (hg19) VCF-style: chr2-215595232-CCT-C.
Other names: c.494-2_494-1del (NM_001282548.2); c.1847-2_1847-1del (NM_001282543.2); c.551-2_551-1del (NM_001282545.2); c.365-2_365-1del (NM_001282549.2).
Identifiers: ClinVar variation 1782354 (VCV001782354.21), dbSNP rs771472958, ClinGen allele CA2090117.

ClinVar aggregate classification (germline): Conflicting classifications of pathogenicity. Review status: criteria provided, conflicting classifications (1 of 4 stars). 3 submissions from 3 submitters: Likely pathogenic (1); Uncertain significance (1). 1 of the submissions does not count toward it. Last evaluated 2025-03-27.

Conditions:
Hereditary cancer-predisposing syndrome. Also called: Neoplastic Syndromes, Hereditary; Tumor predisposition; Hereditary Cancer Syndrome; Hereditary neoplastic syndrome. Identifiers: Orphanet 140162, MedGen C0027672, MeSH D009386, MONDO:0015356.
Familial cancer of breast. Also called: BREAST CANCER, FAMILIAL; Hereditary breast cancer; hereditary breast carcinoma. Identifiers: Orphanet 227535, MedGen C0346153, MONDO:0016419, OMIM 114480. Disease mechanism: loss of function.
Gastric cancer. Also called: Stomach cancer; Malignant tumor of stomach. Identifiers: MedGen C0024623, MeSH D013274, MONDO:0001056, OMIM 613659, HP:0012126.

Allele frequency attached by ClinVar (database versions not stated): ExAC 0.00001.

Submissions (3):

Myriad Genetics, Inc.
Classification: Likely pathogenic for Familial cancer of breast. Last evaluated: 2025-03-27. Review status: criteria provided, single submitter. Criteria: Myriad Autosomal Dominant, Autosomal Recessive and X-Linked Classification Criteria (2023). Collection method: clinical testing. Allele origin: unknown.
Comment: This variant is considered likely pathogenic. This variant occurs within a consensus splice junction and is predicted to result in abnormal mRNA splicing of either an out-of-frame exon or an in-frame exon necessary for protein stability and/or normal function.

Ambry Genetics
Classification: Uncertain significance for Hereditary cancer-predisposing syndrome. Last evaluated: 2022-06-28. Review status: criteria provided, single submitter. Criteria: Ambry Variant Classification Scheme 2023. Collection method: clinical testing. Allele origin: germline.
Comment: The c.1904-2_1904-1delAG intronic variant, located in intron 9 of the BARD1 gene, results from a deletion of two nucleotides within intron 9 of the BARD1 gene. Alterations that disrupt the canonical splice site are expected to result in aberrant splicing. This nucleotide region is highly conserved in available vertebrate species. In silico splice site analysis predicts that this alteration will weaken the native splice acceptor site and will result in the creation or strengthening of a novel splice acceptor site. The resulting transcript is predicted to be in-frame and is not expected to trigger nonsense-mediated mRNAdecay; however, direct evidence is unavailable. The exact functional effect of the altered amino acid sequence is unknown. Since supporting evidence is limited at this time, the clinical significance of this alteration remains unclear.

Laboratory for Genotyping Development, RIKEN
Classification: Pathogenic for Gastric cancer. Last evaluated: 2021-07-01. Review status: no assertion criteria provided. Collection method: research. Allele origin: germline. Not counted in ClinVar's aggregate classification.

Literature cited by the submitters: PubMed 36988593 (cited by Laboratory for Genotyping Development, RIKEN).